The following is an entry in ClinVar:

ClinVar aggregate classification (germline): Likely benign (1 of 4 stars; one submission).

Allele frequency attached by ClinVar (database versions not stated): 1000 Genomes Project 30x 0.00156; 1000 Genomes Project 0.00160; TOPMed 0.00237; ESP Exome Variant Server 0.00246; gnomAD 0.00296; gnomAD exomes 0.00349; ExAC 0.00392.
gnomAD v4.1: 1,532 of 463,840 alleles (0.33%); highest among the groups gnomAD compares: Non-Finnish European, 0.44%; 5 homozygotes.

Submission:

CeGaT Center for Human Genetics Tuebingen
Classification: Likely benign. Last evaluated: 2022-12-01. Review status: criteria provided, single submitter. Criteria: CeGaT Center For Human Genetics Tuebingen Variant Classification Criteria Version 2. Collection method: clinical testing. Allele origin: germline. Affected: yes. Observed: 14 variant alleles.
Comment: TRIO: BS2

NM_007118.4(TRIO):c.*1039G>A

Gene: TRIO (trio Rho guanine nucleotide exchange factor; plus strand). Cytogenetic location: 5p15.2.
Variant type: single nucleotide variant.
Coding change: c.*1039G>A on transcript NM_007118.4 (MANE Select); 1039 bases downstream of the stop codon, G replaced by A.
Molecular consequence: 3 prime UTR variant. On other transcripts: non-coding transcript variant (1).
Genome position (GRCh38, 1-based): chr5:14,509,461, G>A. VCF-style: chr5-14509461-G-A. GRCh37 (hg19) VCF-style: chr5-14509570-G-A.
Identifiers: ClinVar variation 1879620 (VCV001879620.29), dbSNP rs183968955, ClinGen allele CA3208115.